The following is an entry in ClinVar:

ClinVar aggregate classification (germline): Uncertain significance (1 of 4 stars; one submission).

gnomAD v4.1: 9 of 1,613,356 alleles (0.00056%); highest among the groups gnomAD compares: Non-Finnish European, 0.00068%; no homozygotes.

Submission:

GeneDx
Classification: Uncertain significance. Last evaluated: 2025-03-19. Review status: criteria provided, single submitter. Criteria: GeneDx Variant Classification Process June 2021. Collection method: clinical testing. Allele origin: germline. Affected: yes.
Comment: Not observed at significant frequency in large population cohorts (gnomAD); In silico analysis supports that this missense variant has a deleterious effect on protein structure/function; Has not been previously published as pathogenic or benign to our knowledge

NM_000384.3(APOB):c.7202T>C (p.Val2401Ala)

Gene: APOB (apolipoprotein B; minus strand). Cytogenetic location: 2p24.1.
Variant type: single nucleotide variant.
Coding change: c.7202T>C on transcript NM_000384.3 (MANE Select); coding-DNA position 7202, T replaced by C.
Protein change: p.Val2401Ala; replaces valine 2401 with alanine.
Molecular consequence: missense variant.
Genome position (GRCh38, 1-based): chr2:21,009,666, A>G on the plus strand (T>C on the coding strand, the complement: APOB is on the minus strand). VCF-style: chr2-21009666-A-G. GRCh37 (hg19) VCF-style: chr2-21232538-A-G.
Other names: short protein forms V2401A.
Identifiers: ClinVar variation 4088255 (VCV004088255.1).